The following is an entry in ClinVar:

ClinVar aggregate classification (germline): Pathogenic/Likely pathogenic. Review status: criteria provided, multiple submitters, no conflicts (2 of 4 stars). 3 submissions from 3 submitters: Pathogenic (2); Likely pathogenic (1). Last evaluated 2023-12-29.

Conditions:
Arthrogryposis multiplex congenita 6. Identifiers: MedGen C5543431, MONDO:0030281, OMIM 619334.
Nemaline myopathy 2 (NEM2). Also called: Nemaline myopathy 2, autosomal recessive. Identifiers: MedGen C1850569, MONDO:0009725, OMIM 256030.

Allele frequency attached by ClinVar (database versions not stated): ExAC 0.00001; gnomAD exomes below 0.00001; TOPMed below 0.00001.
gnomAD v4.1: 3 of 1,613,756 alleles (0.00019%); highest among the groups gnomAD compares: Non-Finnish European, 0.00025%; no homozygotes.

Submissions (3):

Fulgent Genetics
Classification: Pathogenic for Nemaline myopathy 2; Arthrogryposis multiplex congenita 6. Last evaluated: 2023-12-29. Review status: criteria provided, single submitter. Criteria: ACMG Guidelines, 2015. Collection method: clinical testing. Allele origin: germline.

Baylor Genetics
Classification: Pathogenic for Arthrogryposis multiplex congenita 6. Last evaluated: 2023-04-20. Review status: criteria provided, single submitter. Criteria: ACMG Guidelines, 2015. Collection method: clinical testing. Allele origin: unknown.

GeneDx
Classification: Likely pathogenic. Last evaluated: 2019-06-28. Review status: criteria provided, single submitter. Criteria: GeneDx Variant Classification Process June 2021. Collection method: clinical testing. Allele origin: germline. Affected: yes.
Comment: Reported previously in a patient with nemaline myopathy who also harbored a second NEB variant; however phase was undetermined (Lehtokari et al., 2014); Nonsense variant predicted to result in protein truncation or nonsense mediated decay in a gene for which loss-of-function is a known mechanism of disease; Not observed at a significant frequency in large population cohorts (Lek et al., 2016); This variant is associated with the following publications: (PMID: 33333461, 29669168, 29246625, 25205138)

NM_001164508.2(NEB):c.8425C>T (p.Arg2809Ter)

Gene: NEB (nebulin; minus strand). Cytogenetic location: 2q23.3.
Variant type: single nucleotide variant.
Coding change: c.8425C>T on transcript NM_001164508.2 (MANE Select); coding-DNA position 8425, C replaced by T.
Protein change: p.Arg2809Ter; replaces arginine 2809 with a stop codon.
Molecular consequence: nonsense.
Genome position (GRCh38, 1-based): chr2:151,640,615, G>A on the plus strand (C>T on the coding strand, the complement: NEB is on the minus strand). VCF-style: chr2-151640615-G-A. GRCh37 (hg19) VCF-style: chr2-152497129-G-A.
Other names: c.8425C>T, p.Arg2809Ter (NM_001164507.2, NM_001271208.2, NM_004543.5); short protein forms R2809*.
Identifiers: ClinVar variation 1213189 (VCV001213189.6), dbSNP rs762881892, ClinGen allele CA1909582.